The following is an entry in ClinVar:

ClinVar aggregate classification (germline): Pathogenic (1 of 4 stars; one submission).

Conditions:
Hereditary breast ovarian cancer syndrome. Also called: BRCA1- and BRCA2-Associated Hereditary Breast and Ovarian Cancer; Breast and ovarian cancer; Hereditary breast and ovarian cancer; Hereditary breast and ovarian cancer syndrome (HBOC); Hereditary breast and ovarian cancer syndrome; Hereditary breast and/or ovarian cancer syndrome. Identifiers: Orphanet 145, MedGen C0677776, MeSH D061325, MONDO:0003582. Disease mechanism: loss of function.

Submission:

Labcorp Genetics (formerly Invitae), Labcorp
Classification: Pathogenic for Hereditary breast ovarian cancer syndrome. Last evaluated: 2025-03-17. Review status: criteria provided, single submitter. Criteria: Invitae Variant Classification Sherloc (09022015). Collection method: clinical testing. Allele origin: germline.
Comment: This sequence change creates a premature translational stop signal (p.Glu2844*) in the BRCA2 gene. It is expected to result in an absent or disrupted protein product. Loss-of-function variants in BRCA2 are known to be pathogenic (PMID: 20104584). This variant is not present in population databases (gnomAD no frequency). This premature translational stop signal has been observed in individual(s) with breast cancer (PMID: 29752822). Algorithms developed to predict the effect of sequence changes on RNA splicing suggest that this variant may disrupt the consensus splice site. For these reasons, this variant has been classified as Pathogenic.

Literature cited by the submitters: PubMed 20104584; PubMed 29752822.

NM_000059.4(BRCA2):c.8530G>T (p.Glu2844Ter)

Gene: BRCA2 (BRCA2 DNA repair associated; plus strand). Cytogenetic location: 13q13.1.
Variant type: single nucleotide variant.
Coding change: c.8530G>T on transcript NM_000059.4 (MANE Select); coding-DNA position 8530, G replaced by T.
Protein change: p.Glu2844Ter; replaces glutamic acid 2844 with a stop codon.
Molecular consequence: nonsense.
Genome position (GRCh38, 1-based): chr13:32,370,998, G>T. VCF-style: chr13-32370998-G-T. GRCh37 (hg19) VCF-style: chr13-32945135-G-T.
Other names: short protein forms E2844*.
Identifiers: ClinVar variation 4737642 (VCV004737642.1).